The following is an entry in ClinVar:

ClinVar aggregate classification (germline): Uncertain significance (1 of 4 stars; one submission).

Conditions:
Alstrom syndrome (ALMS). Identifiers: Orphanet 64, MedGen C0268425, MONDO:0008763, OMIM 203800.

Allele frequency attached by ClinVar (database versions not stated): TOPMed below 0.00001.

Submission:

Labcorp Genetics (formerly Invitae), Labcorp
Classification: Uncertain significance for Alstrom syndrome. Last evaluated: 2022-10-28. Review status: criteria provided, single submitter. Criteria: Invitae Variant Classification Sherloc (09022015). Collection method: clinical testing. Allele origin: germline.
Comment: In summary, the available evidence is currently insufficient to determine the role of this variant in disease. Therefore, it has been classified as a Variant of Uncertain Significance. Algorithms developed to predict the effect of missense changes on protein structure and function output the following: SIFT: "Not Available"; PolyPhen-2: "Not Available"; Align-GVGD: "Not Available". The glycine amino acid residue is found in multiple mammalian species, which suggests that this missense change does not adversely affect protein function. This variant has not been reported in the literature in individuals affected with ALMS1-related conditions. This variant is not present in population databases (gnomAD no frequency). This sequence change replaces aspartic acid, which is acidic and polar, with glycine, which is neutral and non-polar, at codon 896 of the ALMS1 protein (p.Asp896Gly).

NM_001378454.1(ALMS1):c.2684A>G (p.Asp895Gly)

Gene: ALMS1 (ALMS1 centrosome and basal body associated protein; plus strand). Cytogenetic location: 2p13.1.
Variant type: single nucleotide variant.
Coding change: c.2684A>G on transcript NM_001378454.1 (MANE Select); coding-DNA position 2684, A replaced by G.
Protein change: p.Asp895Gly; replaces aspartic acid 895 with glycine.
Molecular consequence: missense variant.
Genome position (GRCh38, 1-based): chr2:73,449,211, A>G. VCF-style: chr2-73449211-A-G. GRCh37 (hg19) VCF-style: chr2-73676338-A-G.
Other names: c.2687A>G, p.Asp896Gly (NM_015120.4); short protein forms D895G, D896G.
Identifiers: ClinVar variation 2161454 (VCV002161454.4), dbSNP rs1671874650, ClinGen allele CA347271194.